The following is an entry in ClinVar:

ClinVar aggregate classification (germline): Uncertain significance (1 of 4 stars; one submission).

Allele frequency attached by ClinVar (database versions not stated): gnomAD 0.00001; ExAC 0.00002; gnomAD exomes 0.00004.

Submission:

Ambry Genetics
Classification: Uncertain significance. Last evaluated: 2025-01-13. Review status: criteria provided, single submitter. Criteria: Ambry Variant Classification Scheme 2023. Collection method: clinical testing. Allele origin: germline.
Comment: The p.R241W variant (also known as c.721C>T), located in coding exon 6 of the PDLIM3 gene, results from a C to T substitution at nucleotide position 721. The arginine at codon 241 is replaced by tryptophan, an amino acid with dissimilar properties. This amino acid position is conserved. In addition, this alteration is predicted to be tolerated by in silico analysis. Since supporting evidence is limited at this time, the clinical significance of this alteration remains unclear.

NM_014476.6(PDLIM3):c.721C>T (p.Arg241Trp)

Gene: PDLIM3 (PDZ and LIM domain 3; minus strand). Cytogenetic location: 4q35.1.
Variant type: single nucleotide variant.
Coding change: c.721C>T on transcript NM_014476.6 (MANE Select); coding-DNA position 721, C replaced by T.
Protein change: p.Arg241Trp; replaces arginine 241 with tryptophan.
Molecular consequence: missense variant. On other transcripts: non-coding transcript variant (1).
Genome position (GRCh38, 1-based): chr4:185,506,594, G>A on the plus strand (C>T on the coding strand, the complement: PDLIM3 is on the minus strand). VCF-style: chr4-185506594-G-A. GRCh37 (hg19) VCF-style: chr4-186427748-G-A.
Other names: c.577C>T, p.Arg193Trp (NM_001114107.5); c.457C>T, p.Arg153Trp (NM_001257962.2); c.220C>T, p.Arg74Trp (NM_001257963.2); short protein forms R153W, R193W, R241W, R74W.
Identifiers: ClinVar variation 3226319 (VCV003226319.2), dbSNP rs768909650, ClinGen allele CA3159713.